The following is an entry in ClinVar:

NM_001080467.3(MYO5B):c.2313C>G (p.Ile771Met)

Gene: MYO5B (myosin VB; minus strand). Cytogenetic location: 18q21.1.
Variant type: single nucleotide variant.
Coding change: c.2313C>G on transcript NM_001080467.3 (MANE Select); coding-DNA position 2313, C replaced by G.
Protein change: p.Ile771Met; replaces isoleucine 771 with methionine.
Molecular consequence: missense variant.
Genome position (GRCh38, 1-based): chr18:49,906,520, G>C on the plus strand (C>G on the coding strand, the complement: MYO5B is on the minus strand). VCF-style: chr18-49906520-G-C. GRCh37 (hg19) VCF-style: chr18-47432890-G-C.
Other names: short protein forms I771M.
Identifiers: ClinVar variation 1492514 (VCV001492514.8), dbSNP rs2144150669, ClinGen allele CA402436681.
Genomic context (GRCh38, chr18:49,906,520, plus strand): 5'-GGTAGCCCCCTTCAGCCTGTGATATTTCACCTTCTGCAGCCATCCCCGGACAGTTTTCTG[G>C]ATCATGATGGTGGCTGTCCGGAACTTGTCAGCCCGCAGCTTCTCCAGGTAGGCCACCTGG-3'
Protein context (NP_001073936.1, residues 761-781): ADKFRTATIM[Ile771Met]QKTVRGWLQK

ClinVar aggregate classification (germline): Uncertain significance (1 of 4 stars; one submission).

Allele frequency attached by ClinVar (database versions not stated): gnomAD exomes below 0.00001.
gnomAD v4.1: 2 of 1,614,172 alleles (0.00012%); highest among the groups gnomAD compares: South Asian, 0.0022%; no homozygotes.

Submission:

Labcorp Genetics (formerly Invitae), Labcorp
Classification: Uncertain significance. Last evaluated: 2021-03-30. Review status: criteria provided, single submitter. Criteria: Invitae Variant Classification Sherloc (09022015). Collection method: clinical testing. Allele origin: germline.
Comment: This sequence change replaces isoleucine with methionine at codon 771 of the MYO5B protein (p.Ile771Met). The isoleucine residue is highly conserved and there is a small physicochemical difference between isoleucine and methionine. This variant is not present in population databases (ExAC no frequency). This variant has not been reported in the literature in individuals with MYO5B-related conditions. Algorithms developed to predict the effect of missense changes on protein structure and function are either unavailable or do not agree on the potential impact of this missense change (SIFT: "Deleterious"; PolyPhen-2: "Probably Damaging"; Align-GVGD: "Class C0"). In summary, the available evidence is currently insufficient to determine the role of this variant in disease. Therefore, it has been classified as a Variant of Uncertain Significance.